The following is an entry in ClinVar:

ClinVar aggregate classification (germline): Uncertain significance (1 of 4 stars; one submission).

Submission:

Ambry Genetics
Classification: Uncertain significance. Last evaluated: 2023-12-31. Review status: criteria provided, single submitter. Criteria: Ambry Variant Classification Scheme 2023. Collection method: clinical testing. Allele origin: germline.
Comment: The p.L18I variant (also known as c.52C>A), located in coding exon 2 of the RECQL gene, results from a C to A substitution at nucleotide position 52. The leucine at codon 18 is replaced by isoleucine, an amino acid with highly similar properties. This amino acid position is conserved. In addition, the in silico prediction for this alteration is inconclusive. Since supporting evidence is limited at this time, the clinical significance of this alteration remains unclear.

NM_002907.4(RECQL):c.52C>A (p.Leu18Ile)

Gene: RECQL (RecQ like helicase; minus strand). Cytogenetic location: 12p12.1.
Variant type: single nucleotide variant.
Coding change: c.52C>A on transcript NM_002907.4 (MANE Select); coding-DNA position 52, C replaced by A.
Protein change: p.Leu18Ile; replaces leucine 18 with isoleucine.
Molecular consequence: missense variant.
Genome position (GRCh38, 1-based): chr12:21,491,681, G>T on the plus strand (C>A on the coding strand, the complement: RECQL is on the minus strand). VCF-style: chr12-21491681-G-T. GRCh37 (hg19) VCF-style: chr12-21644615-G-T.
Other names: c.52C>A, p.Leu18Ile (NM_032941.3); short protein forms L18I.
Identifiers: ClinVar variation 3222978 (VCV003222978.1), dbSNP rs564516242, ClinGen allele CA384134674.